The following is an entry in ClinVar:

NM_144997.7(FLCN):c.1069G>C (p.Gly357Arg)

Gene: FLCN (folliculin; minus strand). Cytogenetic location: 17p11.2.
Variant type: single nucleotide variant.
Coding change: c.1069G>C on transcript NM_144997.7 (MANE Select); coding-DNA position 1069, G replaced by C.
Protein change: p.Gly357Arg; replaces glycine 357 with arginine.
Molecular consequence: missense variant.
Genome position (GRCh38, 1-based): chr17:17,217,176, C>G on the plus strand (G>C on the coding strand, the complement: FLCN is on the minus strand). VCF-style: chr17-17217176-C-G. GRCh37 (hg19) VCF-style: chr17-17120490-C-G.
Other names: c.1123G>C, p.Gly375Arg (NM_001353229.2); c.1069G>C, p.Gly357Arg (NM_001353230.2, NM_001353231.2); short protein forms G357R, G375R.
Identifiers: ClinVar variation 2057269 (VCV002057269.5), dbSNP rs1597587077, ClinGen allele CA398532396.

ClinVar aggregate classification (germline): Uncertain significance. Review status: criteria provided, multiple submitters, no conflicts (2 of 4 stars). 2 submissions from 2 submitters: Uncertain significance (2). Last evaluated 2024-10-04.

Conditions:
Hereditary cancer-predisposing syndrome. Also called: Neoplastic Syndromes, Hereditary; Hereditary Cancer Syndrome; Tumor predisposition; Hereditary neoplastic syndrome. Identifiers: Orphanet 140162, MedGen C0027672, MeSH D009386, MONDO:0015356.
Birt-Hogg-Dube syndrome. Also called: Birt Hogg Dubé syndrome. Identifiers: Orphanet 122, MedGen C0346010, MONDO:0800444.

Submissions (2):

Ambry Genetics
Classification: Uncertain significance for Hereditary cancer-predisposing syndrome. Last evaluated: 2024-10-04. Review status: criteria provided, single submitter. Criteria: Ambry Variant Classification Scheme 2023. Collection method: clinical testing. Allele origin: germline.
Comment: The p.G357R variant (also known as c.1069G>C), located in coding exon 7 of the FLCN gene, results from a G to C substitution at nucleotide position 1069. The glycine at codon 357 is replaced by arginine, an amino acid with dissimilar properties. This amino acid position is conserved. In addition, this alteration is predicted to be deleterious by in silico analysis. Based on the available evidence, the clinical significance of this variant remains unclear.

Labcorp Genetics (formerly Invitae), Labcorp
Classification: Uncertain significance for Birt-Hogg-Dube syndrome. Last evaluated: 2022-07-23. Review status: criteria provided, single submitter. Criteria: Invitae Variant Classification Sherloc (09022015). Collection method: clinical testing. Allele origin: germline.
Comment: This sequence change replaces glycine, which is neutral and non-polar, with arginine, which is basic and polar, at codon 357 of the FLCN protein (p.Gly357Arg). This variant is not present in population databases (gnomAD no frequency). This variant has not been reported in the literature in individuals affected with FLCN-related conditions. Algorithms developed to predict the effect of missense changes on protein structure and function are either unavailable or do not agree on the potential impact of this missense change (SIFT: "Tolerated"; PolyPhen-2: "Probably Damaging"; Align-GVGD: "Class C0"). In summary, the available evidence is currently insufficient to determine the role of this variant in disease. Therefore, it has been classified as a Variant of Uncertain Significance.